The following is an entry in ClinVar:

NM_003383.5(VLDLR):c.658G>A (p.Asp220Asn)

Gene: VLDLR (very low density lipoprotein receptor; plus strand). Cytogenetic location: 9p24.2.
Variant type: single nucleotide variant.
Coding change: c.658G>A on transcript NM_003383.5 (MANE Select); coding-DNA position 658, G replaced by A.
Protein change: p.Asp220Asn; replaces aspartic acid 220 with asparagine.
Molecular consequence: missense variant.
Genome position (GRCh38, 1-based): chr9:2,643,369, G>A. VCF-style: chr9-2643369-G-A. GRCh37 (hg19) VCF-style: chr9-2643369-G-A.
Other names: c.658G>A, p.Asp220Asn (NM_001018056.3); c.535G>A, p.Asp179Asn (NM_001322225.2, NM_001322226.2); c.658G>A (NM_003383.3); short protein forms D179N, D220N.
Identifiers: ClinVar variation 1416571 (VCV001416571.7), dbSNP rs370772601, ClinGen allele CA4964591.

ClinVar aggregate classification (germline): Uncertain significance. Review status: criteria provided, multiple submitters, no conflicts (2 of 4 stars). 2 submissions from 2 submitters: Uncertain significance (2). Last evaluated 2025-01-10.

Conditions:
Inborn genetic diseases. Identifiers: MedGen C0950123, MeSH D030342.

Allele frequency attached by ClinVar (database versions not stated): ExAC 0.00001; gnomAD 0.00001; gnomAD exomes 0.00002; ESP Exome Variant Server 0.00008.

Submissions (2):

Ambry Genetics
Classification: Uncertain significance for Inborn genetic diseases. Last evaluated: 2025-01-10. Review status: criteria provided, single submitter. Criteria: Ambry Variant Classification Scheme 2023. Collection method: clinical testing. Allele origin: germline.

Labcorp Genetics (formerly Invitae), Labcorp
Classification: Uncertain significance. Last evaluated: 2021-12-22. Review status: criteria provided, single submitter. Criteria: Invitae Variant Classification Sherloc (09022015). Collection method: clinical testing. Allele origin: germline.
Comment: This sequence change replaces aspartic acid, which is acidic and polar, with asparagine, which is neutral and polar, at codon 220 of the VLDLR protein (p.Asp220Asn). This variant is present in population databases (rs370772601, gnomAD 0.007%). This variant has not been reported in the literature in individuals affected with VLDLR-related conditions. Algorithms developed to predict the effect of missense changes on protein structure and function are either unavailable or do not agree on the potential impact of this missense change (SIFT: "Not Available"; PolyPhen-2: "Benign"; Align-GVGD: "Not Available"). In summary, the available evidence is currently insufficient to determine the role of this variant in disease. Therefore, it has been classified as a Variant of Uncertain Significance.